The following is an entry in ClinVar:

ClinVar aggregate classification (germline): Uncertain significance (1 of 4 stars; one submission).

Conditions:
Neurodegeneration with brain iron accumulation 5 (NBIA5). Also called: STATIC ENCEPHALOPATHY OF CHILDHOOD WITH NEURODEGENERATION IN ADULTHOOD; Beta-propeller protein-associated neurodegeneration. Identifiers: Orphanet 329284, MedGen C3550973, MONDO:0010476, OMIM 300894.

Submission:

Labcorp Genetics (formerly Invitae), Labcorp
Classification: Uncertain significance for Neurodegeneration with brain iron accumulation 5. Last evaluated: 2023-08-10. Review status: criteria provided, single submitter. Criteria: Invitae Variant Classification Sherloc (09022015). Collection method: clinical testing. Allele origin: germline.
Comment: In summary, the available evidence is currently insufficient to determine the role of this variant in disease. Therefore, it has been classified as a Variant of Uncertain Significance. Advanced modeling of protein sequence and biophysical properties (such as structural, functional, and spatial information, amino acid conservation, physicochemical variation, residue mobility, and thermodynamic stability) has been performed at Invitae for this missense variant, however the output from this modeling did not meet the statistical confidence thresholds required to predict the impact of this variant on WDR45 protein function. This variant has not been reported in the literature in individuals affected with WDR45-related conditions. This variant is not present in population databases (gnomAD no frequency). This sequence change replaces cysteine, which is neutral and slightly polar, with glycine, which is neutral and non-polar, at codon 356 of the WDR45 protein (p.Cys356Gly).

NM_001029896.2(WDR45):c.1063T>G (p.Cys355Gly)

Gene: WDR45 (WD repeat domain 45; minus strand). Cytogenetic location: Xp11.23.
Variant type: single nucleotide variant.
Coding change: c.1063T>G on transcript NM_001029896.2 (MANE Select); coding-DNA position 1063, T replaced by G.
Protein change: p.Cys355Gly; replaces cysteine 355 with glycine.
Molecular consequence: missense variant.
Genome position (GRCh38, 1-based): chrX:49,074,823, A>C on the plus strand (T>G on the coding strand, the complement: WDR45 is on the minus strand). VCF-style: chrX-49074823-A-C. GRCh37 (hg19) VCF-style: chrX-48932482-A-C.
Other names: c.1066T>G, p.Cys356Gly (NM_007075.4); short protein forms C356G, C355G.
Identifiers: ClinVar variation 2833982 (VCV002833982.3), dbSNP rs2065026601, ClinGen allele CA412941097.